The following is an entry in ClinVar:

ClinVar aggregate classification (germline): Uncertain significance (1 of 4 stars; one submission).

gnomAD v4.1: 1 of 1,611,196 alleles (0.000062%); highest among the groups gnomAD compares: South Asian, 0.0011%; no homozygotes.

Submission:

GeneDx
Classification: Uncertain significance. Last evaluated: 2025-03-21. Review status: criteria provided, single submitter. Criteria: GeneDx Variant Classification Process June 2021. Collection method: clinical testing. Allele origin: germline. Affected: yes.
Comment: Not observed at significant frequency in large population cohorts (gnomAD); In silico analysis supports that this missense variant has a deleterious effect on protein structure/function; Has not been previously published as pathogenic or benign to our knowledge

NM_000163.5(GHR):c.305C>T (p.Pro102Leu)

Gene: GHR (growth hormone receptor; plus strand). Cytogenetic location: 5p12.
Variant type: single nucleotide variant.
Coding change: c.305C>T on transcript NM_000163.5 (MANE Select); coding-DNA position 305, C replaced by T.
Protein change: p.Pro102Leu; replaces proline 102 with leucine.
Molecular consequence: missense variant.
Genome position (GRCh38, 1-based): chr5:42,694,955, C>T. VCF-style: chr5-42694955-C-T. GRCh37 (hg19) VCF-style: chr5-42695057-C-T.
Other names: c.326C>T, p.Pro109Leu (NM_001242399.2); c.305C>T, p.Pro102Leu (NM_001242400.2, NM_001242401.4, NM_001242402.2 and 5 more transcripts); c.239C>T, p.Pro80Leu (NM_001242460.2); short protein forms P102L, P109L, P80L.
Identifiers: ClinVar variation 4086676 (VCV004086676.1).